The following is an entry in ClinVar:

ClinVar aggregate classification (germline): Likely benign (1 of 4 stars; one submission).

gnomAD v4.1: 10 of 1,612,896 alleles (0.00062%); highest among the groups gnomAD compares: South Asian, 0.0033%; no homozygotes.

Submission:

Mayo Clinic Laboratories, Mayo Clinic
Classification: Likely benign. Last evaluated: 2025-04-10. Review status: criteria provided, single submitter. Criteria: ACMG Guidelines, 2015. Collection method: clinical testing. Allele origin: germline. Observed: 1 variant allele.
Comment: BP4_moderate, BP5

NM_002609.4(PDGFRB):c.1339A>G (p.Ile447Val)

Gene: PDGFRB (platelet derived growth factor receptor beta; minus strand). Cytogenetic location: 5q32.
Variant type: single nucleotide variant.
Coding change: c.1339A>G on transcript NM_002609.4 (MANE Select); coding-DNA position 1339, A replaced by G.
Protein change: p.Ile447Val; replaces isoleucine 447 with valine.
Molecular consequence: missense variant.
Genome position (GRCh38, 1-based): chr5:150,130,567, T>C on the plus strand (A>G on the coding strand, the complement: PDGFRB is on the minus strand). VCF-style: chr5-150130567-T-C. GRCh37 (hg19) VCF-style: chr5-149510130-T-C.
Other names: p.Ile447Val; c.1147A>G, p.Ile383Val (NM_001355016.2); c.856A>G, p.Ile286Val (NM_001355017.2); short protein forms I286V, I383V, I447V.
Identifiers: ClinVar variation 4684871 (VCV004684871.1).